The following is an entry in ClinVar:

NM_005477.3(HCN4):c.3350C>T (p.Pro1117Leu)

Gene: HCN4 (hyperpolarization activated cyclic nucleotide gated potassium channel 4; minus strand). Cytogenetic location: 15q24.1.
Variant type: single nucleotide variant.
Coding change: c.3350C>T on transcript NM_005477.3 (MANE Select); coding-DNA position 3350, C replaced by T.
Protein change: p.Pro1117Leu; replaces proline 1117 with leucine.
Molecular consequence: missense variant.
Genome position (GRCh38, 1-based): chr15:73,322,743, G>A on the plus strand (C>T on the coding strand, the complement: HCN4 is on the minus strand). VCF-style: chr15-73322743-G-A. GRCh37 (hg19) VCF-style: chr15-73615084-G-A.
Other names: short protein forms P1117L.
Identifiers: ClinVar variation 198826 (VCV000198826.38), dbSNP rs140402087, ClinGen allele CA203635.

ClinVar aggregate classification (germline): Benign/Likely benign. Review status: criteria provided, multiple submitters, no conflicts (2 of 4 stars). 15 submissions from 15 submitters: Benign (6); Likely benign (4). 5 of the submissions do not count toward it. Last evaluated 2026-02-03.

Conditions:
Cardiovascular phenotype. Identifiers: MedGen CN230736.
Brugada syndrome 8 (BRGDA8). Identifiers: Orphanet 130, MedGen C2751083, MONDO:0013148, OMIM 613123.
Sick sinus syndrome 2, autosomal dominant (SSS2). Also called: ATRIAL FIBRILLATION WITH BRADYARRHYTHMIA; SICK SINUS SYNDROME 2; SICK SINUS SYNDROME 2 WITH OR WITHOUT CARDIAC NONCOMPACTION AND/OR ASCENDING AORTA DILATION; SINUS BRADYCARDIA SYNDROME, FAMILIAL, AUTOSOMAL DOMINANT; SINUS NODE DISEASE, FAMILIAL, AUTOSOMAL DOMINANT. Identifiers: Orphanet 166282, MedGen C1834144, MONDO:0008102, OMIM 163800.

Allele frequency attached by ClinVar (database versions not stated): 1000 Genomes Project 30x 0.00062; ESP Exome Variant Server 0.00078; TOPMed 0.00132; gnomAD 0.00179 and 0.00185; gnomAD exomes 0.00180 and 0.00210; 1000 Genomes Project 0.00060; ExAC 0.00316.

Submissions (15):

Labcorp Genetics (formerly Invitae), Labcorp
Classification: Benign for Brugada syndrome 8. Last evaluated: 2026-02-03. Review status: criteria provided, single submitter. Criteria: Invitae Variant Classification Sherloc (09022015). Collection method: clinical testing. Allele origin: germline.

ARUP Laboratories, Molecular Genetics and Genomics, ARUP Laboratories
Classification: Benign. Last evaluated: 2025-07-10. Review status: criteria provided, single submitter. Criteria: ARUP Molecular Germline Variant Investigation Process 2024. Collection method: clinical testing. Allele origin: germline.

Athena Diagnostics
Classification: Benign. Last evaluated: 2025-07-02. Review status: criteria provided, single submitter. Criteria: Athena Diagnostics Criteria. Collection method: clinical testing. Allele origin: unknown.
Comment: The frequency of this variant in the general population is higher than would generally be expected for pathogenic variants in this gene.

Molecular Diagnostic Laboratory for Inherited Cardiovascular Disease, Montreal Heart Institute
Classification: Likely benign. Last evaluated: 2025-04-09. Review status: criteria provided, single submitter. Criteria: ACMG Guidelines, 2015. Collection method: clinical testing. Allele origin: germline. Affected: no.

Blueprint Genetics
Classification: Likely benign. Last evaluated: 2024-11-25. Review status: criteria provided, single submitter. Criteria: ACMG Guidelines, 2015. Collection method: clinical testing. Allele origin: germline.

Women's Health and Genetics/Laboratory Corporation of America, LabCorp
Classification: Likely benign. Last evaluated: 2024-03-30. Review status: criteria provided, single submitter. Criteria: LabCorp Variant Classification Summary - May 2015. Collection method: clinical testing. Allele origin: germline.

Ambry Genetics
Classification: Likely benign for Cardiovascular phenotype. Last evaluated: 2018-03-06. Review status: criteria provided, single submitter. Criteria: Ambry Variant Classification Scheme 2023. Collection method: clinical testing. Allele origin: germline.

Illumina Laboratory Services, Illumina
Classification: Benign for Sick sinus syndrome 2, autosomal dominant. Last evaluated: 2018-01-13. Review status: criteria provided, single submitter. Criteria: ICSL Variant Classification Criteria 13 December 2019. Collection method: clinical testing. Allele origin: germline.
Comment: This variant was observed in the ICSL laboratory as part of a predisposition screen in an ostensibly healthy population. It had not been previously curated by ICSL or reported in the Human Gene Mutation Database (HGMD: prior to June 1st, 2018), and was therefore a candidate for classification through an automated scoring system. Utilizing variant allele frequency, disease prevalence and penetrance estimates, and inheritance mode, an automated score was calculated to assess if this variant is too frequent to cause the disease. Based on the score and internal cut-off values, a variant classified as benign is not then subjected to further curation. The score for this variant resulted in a classification of benign for this disease.

GeneDx
Classification: Benign. Last evaluated: 2017-01-10. Review status: criteria provided, single submitter. Criteria: GeneDx Variant Classification (06012015). Collection method: clinical testing. Allele origin: germline. Affected: yes.
Comment: This variant is considered likely benign or benign based on one or more of the following criteria: it is a conservative change, it occurs at a poorly conserved position in the protein, it is predicted to be benign by multiple in silico algorithms, and/or has population frequency not consistent with disease.

Eurofins Ntd Llc (ga)
Classification: Benign. Last evaluated: 2015-01-19. Review status: criteria provided, single submitter. Criteria: EGL Classification Definitions 2015. Collection method: clinical testing. Allele origin: germline. Observed: 2 variant alleles, 2 heterozygotes.

Clinical Genetics DNA and cytogenetics Diagnostics Lab, Erasmus MC, Erasmus Medical Center
Classification: Likely benign. Review status: no assertion criteria provided. Collection method: clinical testing. Allele origin: germline. Affected: yes. Study: VKGL Data-share Consensus. Not counted in ClinVar's aggregate classification.

Clinical Genetics, Academic Medical Center
Classification: Benign. Review status: no assertion criteria provided. Collection method: clinical testing. Allele origin: germline. Affected: yes. Study: VKGL Data-share Consensus. Not counted in ClinVar's aggregate classification.

Diagnostic Laboratory, Department of Genetics, University Medical Center Groningen
Classification: Likely benign. Review status: no assertion criteria provided. Collection method: clinical testing. Allele origin: germline. Affected: yes. Study: VKGL Data-share Consensus. Not counted in ClinVar's aggregate classification.

Genome Diagnostics Laboratory, University Medical Center Utrecht
Classification: Benign. Review status: no assertion criteria provided. Collection method: clinical testing. Allele origin: germline. Affected: yes. Study: VKGL Data-share Consensus. Not counted in ClinVar's aggregate classification.

Joint Genome Diagnostic Labs from Nijmegen and Maastricht, Radboudumc and MUMC+
Classification: Likely benign. Review status: no assertion criteria provided. Collection method: clinical testing. Allele origin: germline. Affected: yes. Study: VKGL Data-share Consensus. Not counted in ClinVar's aggregate classification.

Literature cited by the submitters: PubMed 30986657 (cited by Athena Diagnostics); PubMed 28341588 (cited by Athena Diagnostics); PubMed 36572685 (cited by Athena Diagnostics); PubMed 29588962 (cited by Athena Diagnostics); PubMed 32424620 (cited by Athena Diagnostics).